The following is an entry in ClinVar:

ClinVar aggregate classification (germline): Uncertain significance (1 of 4 stars; one submission).

Conditions:
Cardiovascular phenotype. Identifiers: MedGen CN230736.

gnomAD v4.1: 3 of 1,613,498 alleles (0.00019%); no homozygotes.

Submission:

Ambry Genetics
Classification: Uncertain significance for Cardiovascular phenotype. Last evaluated: 2022-12-06. Review status: criteria provided, single submitter. Criteria: Ambry Variant Classification Scheme 2023. Collection method: clinical testing. Allele origin: germline.
Comment: The p.L586F variant (also known as c.1756C>T), located in coding exon 6 of the KCND3 gene, results from a C to T substitution at nucleotide position 1756. The leucine at codon 586 is replaced by phenylalanine, an amino acid with highly similar properties. This amino acid position is conserved. In addition, the in silico prediction for this alteration is inconclusive. Since supporting evidence is limited at this time, the clinical significance of this alteration remains unclear.

NM_001378969.1(KCND3):c.1756C>T (p.Leu586Phe)

Gene: KCND3 (potassium voltage-gated channel subfamily D member 3; minus strand). Cytogenetic location: 1p13.2.
Variant type: single nucleotide variant.
Coding change: c.1756C>T on transcript NM_001378969.1 (MANE Select); coding-DNA position 1756, C replaced by T.
Protein change: p.Leu586Phe; replaces leucine 586 with phenylalanine.
Molecular consequence: missense variant.
Genome position (GRCh38, 1-based): chr1:111,777,036, G>A on the plus strand (C>T on the coding strand, the complement: KCND3 is on the minus strand). VCF-style: chr1-111777036-G-A. GRCh37 (hg19) VCF-style: chr1-112319658-G-A.
Other names: c.1699C>T, p.Leu567Phe (NM_001378970.1, NM_172198.3); c.1756C>T, p.Leu586Phe (NM_004980.5); short protein forms L567F, L586F.
Identifiers: ClinVar variation 3224548 (VCV003224548.1), dbSNP rs778053688, ClinGen allele CA1007362.